The following is an entry in ClinVar:

ClinVar aggregate classification (germline): Conflicting classifications of pathogenicity. Review status: criteria provided, conflicting classifications (1 of 4 stars). 2 submissions from 2 submitters: Uncertain significance (1); Likely benign (1). Last evaluated 2023-03-23.

Conditions:
Hereditary cancer-predisposing syndrome. Also called: Tumor predisposition; Neoplastic Syndromes, Hereditary; Hereditary neoplastic syndrome; Hereditary Cancer Syndrome. Identifiers: Orphanet 140162, MedGen C0027672, MeSH D009386, MONDO:0015356.

Allele frequency attached by ClinVar (database versions not stated): gnomAD exomes below 0.00001.
gnomAD v4.1: 1 of 1,565,230 alleles (0.000064%); highest among the groups gnomAD compares: East Asian, 0.0023%; no homozygotes.

Submissions (2):

University of Washington Department of Laboratory Medicine, University of Washington
Classification: Likely benign for Hereditary cancer-predisposing syndrome. Last evaluated: 2023-03-23. Review status: criteria provided, single submitter. Criteria: Dines et al. (Genet Med. 2020). Collection method: curation. Allele origin: germline.
Comment: Missense variant in a coldspot region where missense variants are very unlikely to be pathogenic (PMID:31911673).

BRCA2 exon 11 coldspot. Reclassification based on statistical prior probability.

Women's Health and Genetics/Laboratory Corporation of America, LabCorp
Classification: Uncertain significance. Last evaluated: 2018-02-19. Review status: criteria provided, single submitter. Criteria: LabCorp Variant Classification Summary - May 2015. Collection method: clinical testing. Allele origin: germline.
Comment: Variant summary: BRCA2 c.3833A>G (p.His1278Arg) results in a non-conservative amino acid change in the encoded protein sequence and four of five in-silico tools predict a benign effect of the variant on protein function. However, these predictions have yet to be functionally assessed. The variant was absent in 97656 control chromosomes (ExAC). The available data on variant occurrences in the general population are insufficient to allow any conclusion about variant significance. To our knowledge, no occurrence of c.3833A>G in individuals affected with Hereditary Breast and Ovarian Cancer and no experimental evidence demonstrating its impact on protein function have been reported. No clinical diagnostic laboratories have submitted clinical-significance assessments for this variant to ClinVar after 2014. Based on the evidence outlined above, the variant was classified as uncertain significance.

NM_000059.4(BRCA2):c.3833A>G (p.His1278Arg)

Gene: BRCA2 (BRCA2 DNA repair associated; plus strand). Cytogenetic location: 13q13.1.
Variant type: single nucleotide variant.
Coding change: c.3833A>G on transcript NM_000059.4 (MANE Select); coding-DNA position 3833, A replaced by G.
Protein change: p.His1278Arg; replaces histidine 1278 with arginine.
Molecular consequence: missense variant.
Genome position (GRCh38, 1-based): chr13:32,338,188, A>G. VCF-style: chr13-32338188-A-G. GRCh37 (hg19) VCF-style: chr13-32912325-A-G.
Other names: short protein forms H1278R.
Identifiers: ClinVar variation 633103 (VCV000633103.3), dbSNP rs1566229217, ClinGen allele CA387778543.